The following is an entry in ClinVar:

ClinVar aggregate classification (germline): Uncertain significance (1 of 4 stars; one submission).

Conditions:
Charcot-Marie-Tooth disease type 2E (CMT2E). Also called: CHARCOT-MARIE-TOOTH DISEASE, AXONAL, TYPE 2E; CHARCOT-MARIE-TOOTH NEUROPATHY, TYPE 2E. Identifiers: Orphanet 99939, MedGen C1843225, MONDO:0011894, OMIM 607684.

Submission:

Labcorp Genetics (formerly Invitae), Labcorp
Classification: Uncertain significance for Charcot-Marie-Tooth disease type 2E. Last evaluated: 2023-03-06. Review status: criteria provided, single submitter. Criteria: Invitae Variant Classification Sherloc (09022015). Collection method: clinical testing. Allele origin: germline.
Comment: This variant has not been reported in the literature in individuals affected with NEFL-related conditions. This sequence change creates a premature translational stop signal (p.Ser401Argfs*110) in the NEFL gene. While this is not anticipated to result in nonsense mediated decay, it is expected to disrupt the last 143 amino acid(s) of the NEFL protein. This variant is not present in population databases (gnomAD no frequency). ClinVar contains an entry for this variant (Variation ID: 1469189). Experimental studies and prediction algorithms are not available or were not evaluated, and the functional significance of this variant is currently unknown. Algorithms developed to predict the effect of sequence changes on RNA splicing suggest that this variant may disrupt the consensus splice site. In summary, the available evidence is currently insufficient to determine the role of this variant in disease. Therefore, it has been classified as a Variant of Uncertain Significance.

NM_006158.5(NEFL):c.1201_1318del (p.Ser401fs)

Gene: NEFL (neurofilament light chain; minus strand). Cytogenetic location: 8p21.2.
Variant type: Deletion.
Coding change: c.1201_1318del on transcript NM_006158.5 (MANE Select); coding-DNA positions 1201 to 1318, 118 bases deleted.
Protein change: p.Ser401fs; shifts the reading frame from serine 401.
Molecular consequence: frameshift variant.
Genome position (GRCh38, 1-based): chr8:24,953,647-24,953,764, 118 bases deleted. GRCh37 (hg19): chr8:24,811,162-24,811,279.
Other names: short protein forms S401fs.
Identifiers: ClinVar variation 1469189 (VCV001469189.6), dbSNP rs2117251668, ClinGen allele CA2573142642.